The following is an entry in ClinVar:

NM_001042492.3(NF1):c.6819G>A (p.Lys2273=)

Gene: NF1 (neurofibromin 1; plus strand). Cytogenetic location: 17q11.2.
Variant type: single nucleotide variant.
Coding change: c.6819G>A on transcript NM_001042492.3 (MANE Select); coding-DNA position 6819, G replaced by A.
Protein change: p.Lys2273=; no amino-acid change (lysine 2273 retained).
Molecular consequence: synonymous variant.
Genome position (GRCh38, 1-based): chr17:31,338,139, G>A. VCF-style: chr17-31338139-G-A. GRCh37 (hg19) VCF-style: chr17-29665157-G-A.
Other names: c.6756G>A, p.Lys2252= (NM_000267.4).
Identifiers: ClinVar variation 404594 (VCV000404594.8), dbSNP rs1060500373, ClinGen allele CA16615288.

ClinVar aggregate classification (germline): Conflicting classifications of pathogenicity. Review status: criteria provided, conflicting classifications (1 of 4 stars). 3 submissions from 3 submitters: Pathogenic (1); Likely pathogenic (1); Uncertain significance (1). Last evaluated 2025-09-10.

Conditions:
NF1-related disorder. Also called: NF1-related condition. Identifiers: MedGen CN379171.
Neurofibromatosis, type 1 (NF1). Also called: VON RECKLINGHAUSEN DISEASE; NEUROFIBROMATOSIS, TYPE I, SOMATIC; Peripheral type neurofibromatosis; Neurofibromatosis, type I. Identifiers: Orphanet 636, MedGen C0027831, MONDO:0018975, OMIM 162200. Disease mechanism: loss of function.

Submissions (4):

Genomic Medicine Center of Excellence, King Faisal Specialist Hospital and Research Centre
Classification: Uncertain significance for Neurofibromatosis, type 1. Last evaluated: 2025-09-10. Review status: criteria provided, single submitter. Criteria: ACMG Guidelines, 2015. Collection method: clinical testing. Allele origin: germline.

Labcorp Genetics (formerly Invitae), Labcorp
Classification: Likely pathogenic for Neurofibromatosis, type 1. Last evaluated: 2024-02-02. Review status: criteria provided, single submitter. Criteria: Invitae Variant Classification Sherloc (09022015). Collection method: clinical testing. Allele origin: germline.
Comment: This sequence change affects codon 2252 of the NF1 mRNA. It is a 'silent' change, meaning that it does not change the encoded amino acid sequence of the NF1 protein. This variant also falls at the last nucleotide of exon 44, which is part of the consensus splice site for this exon. This variant is not present in population databases (gnomAD no frequency). This variant has been observed in individual(s) with neurofibromatosis type 1 (PMID: 31201679, 31776437; Invitae). This variant is also known as c.6819G>A (Exon 45). ClinVar contains an entry for this variant (Variation ID: 404594). Variants that disrupt the consensus splice site are a relatively common cause of aberrant splicing (PMID: 17576681, 9536098). Algorithms developed to predict the effect of sequence changes on RNA splicing suggest that this variant may disrupt the consensus splice site. In summary, the currently available evidence indicates that the variant is pathogenic, but additional data are needed to prove that conclusively. Therefore, this variant has been classified as Likely Pathogenic.

Blueprint Genetics
Classification: Pathogenic for NF1-related disorders. Last evaluated: 2022-08-23. Review status: criteria provided, single submitter. Criteria: ACMG Guidelines, 2015. Collection method: clinical testing. Allele origin: germline. Affected: yes. Observed: 1 variant allele.

Dr. Peter K. Rogan Lab, Western University
No classification provided (evidence only). Condition: Glioma susceptibility 1. Review status: no classification provided. Collection method: in vitro. Allele origin: not applicable. Functional consequence: skipped exon. Not counted in ClinVar's aggregate classification.

Literature cited by the submitters: PubMed 31201679 (cited by Labcorp Genetics (formerly Invitae), Labcorp); PubMed 31776437 (cited by Labcorp Genetics (formerly Invitae), Labcorp); PubMed 17576681 (cited by Labcorp Genetics (formerly Invitae), Labcorp); PubMed 9536098 (cited by Labcorp Genetics (formerly Invitae), Labcorp).